The following is an entry in ClinVar:

ClinVar aggregate classification (germline): Pathogenic (1 of 4 stars; one submission).

Conditions:
Spastic paraplegia. Identifiers: MedGen C0037772, HP:0001258.

Submission:

Labcorp Genetics (formerly Invitae), Labcorp
Classification: Pathogenic for Spastic paraplegia. Last evaluated: 2023-03-08. Review status: criteria provided, single submitter. Criteria: Invitae Variant Classification Sherloc (09022015). Collection method: clinical testing. Allele origin: germline.
Comment: For these reasons, this variant has been classified as Pathogenic. This sequence change creates a premature translational stop signal (p.Gly57*) in the CYP7B1 gene. It is expected to result in an absent or disrupted protein product. Loss-of-function variants in CYP7B1 are known to be pathogenic (PMID: 9802883, 19363635, 19439420, 21541746, 21567895, 28039895). This variant is not present in population databases (gnomAD no frequency). This variant has not been reported in the literature in individuals affected with CYP7B1-related conditions.

Literature cited by the submitters: PubMed 9802883; PubMed 19363635; PubMed 19439420; PubMed 21541746; PubMed 21567895; PubMed 28039895.

NM_004820.5(CYP7B1):c.169G>T (p.Gly57Ter)

Gene: CYP7B1 (cytochrome P450 family 7 subfamily B member 1; minus strand). Cytogenetic location: 8q12.3.
Variant type: single nucleotide variant.
Coding change: c.169G>T on transcript NM_004820.5 (MANE Select); coding-DNA position 169, G replaced by T.
Protein change: p.Gly57Ter; replaces glycine 57 with a stop codon.
Molecular consequence: nonsense.
Genome position (GRCh38, 1-based): chr8:64,624,493, C>A on the plus strand (G>T on the coding strand, the complement: CYP7B1 is on the minus strand). VCF-style: chr8-64624493-C-A. GRCh37 (hg19) VCF-style: chr8-65537050-C-A.
Other names: c.169G>T, p.Gly57Ter (NM_001324112.2); short protein forms G57*.
Identifiers: ClinVar variation 2843995 (VCV002843995.3), dbSNP rs121908614, ClinGen allele CA371338793.